The following is an entry in ClinVar:

ClinVar aggregate classification (germline): Benign (0 of 4 stars; one submission).

Conditions:
KATNAL2-related disorder. Also called: KATNAL2-related condition.

Allele frequency attached by ClinVar (database versions not stated): 1000 Genomes Project 30x 0.00484; 1000 Genomes Project 0.00499; gnomAD 0.01195; TOPMed 0.01227; gnomAD exomes 0.01557; ExAC 0.06140.
gnomAD v4.1: 3,610 of 265,766 alleles (1.4%); highest among the groups gnomAD compares: Middle Eastern, 2.7%; 49 homozygotes.

Submission:

PreventionGenetics, part of Exact Sciences
Classification: Benign for KATNAL2-related condition. Last evaluated: 2019-09-18. Review status: no assertion criteria provided. Collection method: clinical testing. Allele origin: germline.
Comment: This variant is classified as benign based on ACMG/AMP sequence variant interpretation guidelines (Richards et al. 2015 PMID: 25741868, with internal and published modifications).

NM_001387690.1(KATNAL2):c.1212-907G>T

Gene: KATNAL2 (katanin catalytic subunit A1 like 2; plus strand). Cytogenetic location: 18q21.1.
Variant type: single nucleotide variant.
Coding change: c.1212-907G>T on transcript NM_001387690.1 (MANE Select); 907 bases into the intron before coding-DNA position 1212, G replaced by T.
Molecular consequence: intron variant. On other transcripts: nonsense (5), 3 prime UTR variant (2), non-coding transcript variant (1).
Genome position (GRCh38, 1-based): chr18:47,098,336, G>T. VCF-style: chr18-47098336-G-T. GRCh37 (hg19) VCF-style: chr18-44624707-G-T.
Other names: c.1375G>T, p.Glu459Ter (NM_001353901.1); c.1354G>T, p.Glu452Ter (NM_001353902.1); c.1042G>T, p.Glu348Ter (NM_001353905.1, NM_001353906.1); c.*71G>T (NM_001353907.1); c.943G>T, p.Glu315Ter (NM_001353908.1); c.*211G>T (NM_001353909.1); c.780-907G>T (NM_001353904.1); c.1290-907G>T (NM_001353899.1); and 4 more; short protein forms E315*, E348*, E452*, E459*.
Identifiers: ClinVar variation 3034175 (VCV003034175.2), dbSNP rs140964667, ClinGen allele CA8955277.
Genomic context (GRCh38, chr18:47,098,336, plus strand): 5'-AAGACTGGGAAGAAAAAAAAATTAACTGGACTTACAGTTTCACATGGATGGGGAGCCTCA[G>T]AATCATGGCGGGGGGCAAAAGACACTTCTTATATGGTGGCAGCAAGAGAAAATGAGGAAG-3'